The following is an entry in ClinVar:

NM_000094.4(COL7A1):c.5307+1G>A

Gene: COL7A1 (collagen type VII alpha 1 chain; minus strand). Cytogenetic location: 3p21.31.
Variant type: single nucleotide variant.
Coding change: c.5307+1G>A on transcript NM_000094.4 (MANE Select); the canonical splice donor site of the intron after coding-DNA position 5307, G replaced by A.
Molecular consequence: splice donor variant.
Genome position (GRCh38, 1-based): chr3:48,579,368, C>T on the plus strand (G>A on the coding strand, the complement: COL7A1 is on the minus strand). VCF-style: chr3-48579368-C-T. GRCh37 (hg19) VCF-style: chr3-48616801-C-T.
Identifiers: ClinVar variation 1486538 (VCV001486538.8), dbSNP rs2107697936, ClinGen allele CA352676168.
Genomic context (GRCh38, chr3:48,579,368, plus strand): 5'-AAGGCTGAGGTGGATCTGATAACCCAGGCTCATGTCCTGAGAAACCCCCACACCCTCTCA[C>T]CTTTTCTCCTGCTGGGCCTCGGACACCTGGGTCCCCCTGGAGGGAACAGGGTCAGATAAG-3'

ClinVar aggregate classification (germline): Likely pathogenic (1 of 4 stars; one submission).

Allele frequency attached by ClinVar (database versions not stated): gnomAD exomes below 0.00001.
gnomAD v4.1: 1 of 1,614,180 alleles (0.000062%); highest among the groups gnomAD compares: Non-Finnish European, 0.000085%; no homozygotes.

Submission:

Labcorp Genetics (formerly Invitae), Labcorp
Classification: Likely pathogenic. Last evaluated: 2021-03-10. Review status: criteria provided, single submitter. Criteria: Invitae Variant Classification Sherloc (09022015). Collection method: clinical testing. Allele origin: germline.
Comment: This sequence change affects a donor splice site in intron 60 of the COL7A1 gene. It is expected to disrupt RNA splicing. Variants that disrupt the donor or acceptor splice site typically lead to a loss of protein function (PMID: 16199547), and loss-of-function variants in COL7A1 are known to be pathogenic (PMID: 16971478). This variant is not present in population databases (ExAC no frequency). This variant has not been reported in the literature in individuals with COL7A1-related conditions. Algorithms developed to predict the effect of sequence changes on RNA splicing suggest that this variant may disrupt the consensus splice site, but this prediction has not been confirmed by published transcriptional studies. In summary, the currently available evidence indicates that the variant is pathogenic, but additional data are needed to prove that conclusively. Therefore, this variant has been classified as Likely Pathogenic.

Literature cited by the submitters: PubMed 16199547; PubMed 16971478.